The following is an entry in ClinVar:

NM_138694.4(PKHD1):c.104del (p.Gly35fs)

Gene: PKHD1 (PKHD1 ciliary IPT domain containing fibrocystin/polyductin; minus strand). Cytogenetic location: 6p12.2.
Variant type: Deletion.
Coding change: c.104del on transcript NM_138694.4 (MANE Select); coding-DNA position 104, one base deleted (G; older notation c.104delG).
Protein change: p.Gly35fs; shifts the reading frame from glycine 35.
Molecular consequence: frameshift variant.
Genome position (GRCh38, 1-based): chr6:52,083,204, C deleted on the plus strand (G on the coding strand, the reverse complement: PKHD1 is on the minus strand); the first of 5 consecutive C bases (chr6:52,083,204-52,083,208); deleting any one gives the same sequence. VCF-style (leftmost placement, unchanged base first): chr6-52083203-TC-T. GRCh37 (hg19) VCF-style: chr6-51948001-TC-T.
Other names: c.104del, p.Gly35fs (NM_170724.3); c.104delG (NM_138694.3); short protein forms G35fs.
Identifiers: ClinVar variation 3638409 (VCV003638409.3).

ClinVar aggregate classification (germline): Pathogenic/Likely pathogenic. Review status: criteria provided, multiple submitters, no conflicts (2 of 4 stars). 2 submissions from 2 submitters: Pathogenic (1); Likely pathogenic (1). Last evaluated 2025-12-15.

Conditions:
Autosomal recessive polycystic kidney disease (ARPKD). Also called: AR polycystic kidney disease. Identifiers: Orphanet 731, Orphanet 8378, MedGen C0085548, MeSH D017044, MONDO:0009889.

Submissions (2):

Natera, Inc.
Classification: Likely pathogenic for Autosomal recessive polycystic kidney disease. Last evaluated: 2025-12-15. Review status: criteria provided, single submitter. Criteria: Natera Variant Classification Schema (03/2026). Collection method: clinical testing. Allele origin: germline.
Comment: The c.104delG variant in PKHD1 is a frameshift variant predicted to shift the reading frame beginning at codon 35 and leads to a stop codon 29 codons downstream. This variant is expected to result in nonsense mediated decay, truncation, or a dysfunctional protein product. This variant is rare in the general population with a frequency below the threshold expected for the associated phenotype(s). Given the available evidence, this variant is classified as Likely Pathogenic.

Labcorp Genetics (formerly Invitae), Labcorp
Classification: Pathogenic for Autosomal recessive polycystic kidney disease. Last evaluated: 2024-02-02. Review status: criteria provided, single submitter. Criteria: Invitae Variant Classification Sherloc (09022015). Collection method: clinical testing. Allele origin: germline.
Comment: This sequence change creates a premature translational stop signal (p.Gly35Glufs*29) in the PKHD1 gene. It is expected to result in an absent or disrupted protein product. Loss-of-function variants in PKHD1 are known to be pathogenic (PMID: 19940839). This variant is not present in population databases (gnomAD no frequency). This variant has not been reported in the literature in individuals affected with PKHD1-related conditions. For these reasons, this variant has been classified as Pathogenic.

Literature cited by the submitters: PubMed 19940839 (cited by Labcorp Genetics (formerly Invitae), Labcorp).